The following is an entry in ClinVar:

NM_001348716.2(KDM6B):c.2330C>T (p.Pro777Leu)

Gene: KDM6B (lysine demethylase 6B; plus strand). Cytogenetic location: 17p13.1.
Variant type: single nucleotide variant.
Coding change: c.2330C>T on transcript NM_001348716.2 (MANE Select); coding-DNA position 2330, C replaced by T.
Protein change: p.Pro777Leu; replaces proline 777 with leucine.
Molecular consequence: missense variant.
Genome position (GRCh38, 1-based): chr17:7,848,618, C>T. VCF-style: chr17-7848618-C-T. GRCh37 (hg19) VCF-style: chr17-7751936-C-T.
Other names: c.2330C>T, p.Pro777Leu (NM_001080424.2); short protein forms P777L.
Identifiers: ClinVar variation 3370043 (VCV003370043.2).
Genomic context (GRCh38, chr17:7,848,618, plus strand): 5'-CCACCACCACCACCACGGCCACCCAGGAAGAGGAGAAGAAGCCACCACCAGCCCTACCAC[C>T]ACCACCGCCTCTAGCCAAGTTCCCTCCACCCTCTCAGCCACAGCCACCACCACCCCCACC-3'
Protein context (NP_001335645.1, residues 767-787): EEKKPPPALP[Pro777Leu]PPPLAKFPPP

ClinVar aggregate classification (germline): Uncertain significance. Review status: criteria provided, multiple submitters, no conflicts (2 of 4 stars). 2 submissions from 2 submitters: Uncertain significance (2). Last evaluated 2024-05-03.

Conditions:
Neurodevelopmental disorder with coarse facies and mild distal skeletal abnormalities. Also called: STOLERMAN NEURODEVELOPMENTAL SYNDROME. Identifiers: MedGen C5193134, MONDO:0032790, OMIM 618505.

gnomAD v4.1: 4 of 1,596,368 alleles (0.00025%); highest among the groups gnomAD compares: Non-Finnish European, 0.00034%; no homozygotes.

Submissions (2):

Pittsburgh Clinical Genomics Laboratory, University of Pittsburgh Medical Center
Classification: Uncertain significance for Neurodevelopmental disorder with coarse facies and mild distal skeletal abnormalities. Last evaluated: 2024-05-03. Review status: criteria provided, single submitter. Criteria: ACMG Guidelines, 2015. Collection method: clinical testing. Allele origin: germline. Inheritance: Autosomal dominant inheritance. Affected: yes.
Comment: This sequence variant is a single nucleotide substitution (C>T) at position 2330 of the coding sequence of the KDM6B gene that results in a proline to leucine amino acid change at residue 777 of the lysine-specific demethylase 6B protein. This variant is absent from ClinVar and has not been observed in individuals affected by a KDM6B-related disorder in the published literature, to our knowledge. This variant is present in 4 of 611790 alleles (0.00065%) in the gnomAD v4.0.0 population dataset. Multiple bioinformatic tools predict that this amino acid change would be neutral, and the Pro777 residue at this position is moderately conserved across the vertebrate species examined. Studies examining the functional consequence of this variant have not been published, to our knowledge. At this time, there is insufficient evidence to determine if this variant is pathogenic or benign. Therefore, we consider this a variant of uncertain significance. ACMG Criteria: BP4, PM2

GeneDx
Classification: Uncertain significance. Last evaluated: 2023-12-19. Review status: criteria provided, single submitter. Criteria: GeneDx Variant Classification Process June 2021. Collection method: clinical testing. Allele origin: germline. Affected: yes.
Comment: Not observed at significant frequency in large population cohorts (gnomAD); In silico analysis supports that this missense variant does not alter protein structure/function; Has not been previously published as pathogenic or benign to our knowledge